The following is an entry in ClinVar:

NM_001130698.2(TRPC3):c.760A>C (p.Met254Leu)

Gene: TRPC3 (transient receptor potential cation channel subfamily C member 3; minus strand). Cytogenetic location: 4q27.
Variant type: single nucleotide variant.
Coding change: c.760A>C on transcript NM_001130698.2 (MANE Select); coding-DNA position 760, A replaced by C.
Protein change: p.Met254Leu; replaces methionine 254 with leucine.
Molecular consequence: missense variant.
Genome position (GRCh38, 1-based): chr4:121,932,498, T>G on the plus strand (A>C on the coding strand, the complement: TRPC3 is on the minus strand). VCF-style: chr4-121932498-T-G. GRCh37 (hg19) VCF-style: chr4-122853653-T-G.
Other names: c.760A>C, p.Met254Leu (NM_001366479.2); c.541A>C, p.Met181Leu (NM_003305.2); short protein forms M254L, M181L.
Identifiers: ClinVar variation 2112137 (VCV002112137.4), dbSNP rs1729975969, ClinGen allele CA358047684.

ClinVar aggregate classification (germline): Uncertain significance (1 of 4 stars; one submission).

Submission:

Labcorp Genetics (formerly Invitae), Labcorp
Classification: Uncertain significance. Last evaluated: 2022-03-28. Review status: criteria provided, single submitter. Criteria: Invitae Variant Classification Sherloc (09022015). Collection method: clinical testing. Allele origin: germline.
Comment: This sequence change replaces methionine, which is neutral and non-polar, with leucine, which is neutral and non-polar, at codon 254 of the TRPC3 protein (p.Met254Leu). This variant is not present in population databases (gnomAD no frequency). This variant has not been reported in the literature in individuals affected with TRPC3-related conditions. Algorithms developed to predict the effect of missense changes on protein structure and function output the following: SIFT: "Tolerated"; PolyPhen-2: "Benign"; Align-GVGD: "Class C0". The leucine amino acid residue is found in multiple mammalian species, which suggests that this missense change does not adversely affect protein function. In summary, the available evidence is currently insufficient to determine the role of this variant in disease. Therefore, it has been classified as a Variant of Uncertain Significance.